The following is an entry in ClinVar:

NM_024529.5(CDC73):c.1006G>A (p.Ala336Thr)

Gene: CDC73 (cell division cycle 73; plus strand). Cytogenetic location: 1q31.2.
Variant type: single nucleotide variant.
Coding change: c.1006G>A on transcript NM_024529.5 (MANE Select); coding-DNA position 1006, G replaced by A.
Protein change: p.Ala336Thr; replaces alanine 336 with threonine.
Molecular consequence: missense variant.
Genome position (GRCh38, 1-based): chr1:193,203,828, G>A. VCF-style: chr1-193203828-G-A. GRCh37 (hg19) VCF-style: chr1-193172958-G-A.
Other names: short protein forms A336T.
Identifiers: ClinVar variation 4744015 (VCV004744015.1).

ClinVar aggregate classification (germline): Uncertain significance (1 of 4 stars; one submission).

Conditions:
Parathyroid carcinoma (PRTC). Also called: Parathyroid gland carcinoma; CDC73-Related Parathyroid Carcinoma. Identifiers: Orphanet 143, MedGen C0687150, MONDO:0012004, OMIM 608266, HP:0006780.

Submission:

Labcorp Genetics (formerly Invitae), Labcorp
Classification: Uncertain significance for Parathyroid carcinoma. Last evaluated: 2025-07-20. Review status: criteria provided, single submitter. Criteria: Invitae Variant Classification Sherloc (09022015). Collection method: clinical testing. Allele origin: germline.
Comment: This sequence change replaces alanine, which is neutral and non-polar, with threonine, which is neutral and polar, at codon 336 of the CDC73 protein (p.Ala336Thr). This variant is not present in population databases (gnomAD no frequency). This variant has not been reported in the literature in individuals affected with CDC73-related conditions. Invitae Evidence Modeling of protein sequence and biophysical properties (such as structural, functional, and spatial information, amino acid conservation, physicochemical variation, residue mobility, and thermodynamic stability) indicates that this missense variant is not expected to disrupt CDC73 protein function with a negative predictive value of 80%. In summary, the available evidence is currently insufficient to determine the role of this variant in disease. Therefore, it has been classified as a Variant of Uncertain Significance.